The following is an entry in ClinVar:

ClinVar aggregate classification (germline): Uncertain significance. Review status: criteria provided, multiple submitters, no conflicts (2 of 4 stars). 2 submissions from 2 submitters: Uncertain significance (2). Last evaluated 2025-12-20.

Conditions:
Combined oxidative phosphorylation defect type 17. Also called: Combined oxidative phosphorylation deficiency 17. Identifiers: Orphanet 369913, MedGen C3809526, MONDO:0014190, OMIM 615440.
Inborn genetic diseases. Identifiers: MedGen C0950123, MeSH D030342.

Allele frequency attached by ClinVar (database versions not stated): ExAC 0.00001; gnomAD 0.00001; gnomAD exomes 0.00001; TOPMed 0.00003.
gnomAD v4.1: 19 of 1,605,406 alleles (0.0012%); highest among the groups gnomAD compares: Middle Eastern, 0.016%; no homozygotes.

Submissions (2):

Labcorp Genetics (formerly Invitae), Labcorp
Classification: Uncertain significance for Combined oxidative phosphorylation defect type 17. Last evaluated: 2025-12-20. Review status: criteria provided, single submitter. Criteria: Invitae Variant Classification Sherloc (09022015). Collection method: clinical testing. Allele origin: germline.
Comment: This sequence change replaces aspartic acid, which is acidic and polar, with asparagine, which is neutral and polar, at codon 774 of the ELAC2 protein (p.Asp774Asn). This variant is present in population databases (rs760538357, gnomAD 0.01%). This variant has not been reported in the literature in individuals affected with ELAC2-related conditions. ClinVar contains an entry for this variant (Variation ID: 2047438). Invitae Evidence Modeling of protein sequence and biophysical properties (such as structural, functional, and spatial information, amino acid conservation, physicochemical variation, residue mobility, and thermodynamic stability) indicates that this missense variant is not expected to disrupt ELAC2 protein function with a negative predictive value of 80%. In summary, the available evidence is currently insufficient to determine the role of this variant in disease. Therefore, it has been classified as a Variant of Uncertain Significance.

Ambry Genetics
Classification: Uncertain significance for Inborn genetic diseases. Last evaluated: 2025-06-18. Review status: criteria provided, single submitter. Criteria: Ambry Variant Classification Scheme 2023. Collection method: clinical testing. Allele origin: germline.

NM_018127.7(ELAC2):c.2320G>A (p.Asp774Asn)

Gene: ELAC2 (elaC ribonuclease Z 2; minus strand). Cytogenetic location: 17p12.
Variant type: single nucleotide variant.
Coding change: c.2320G>A on transcript NM_018127.7 (MANE Select); coding-DNA position 2320, G replaced by A.
Protein change: p.Asp774Asn; replaces aspartic acid 774 with asparagine.
Molecular consequence: missense variant.
Genome position (GRCh38, 1-based): chr17:12,992,979, C>T on the plus strand (G>A on the coding strand, the complement: ELAC2 is on the minus strand). VCF-style: chr17-12992979-C-T. GRCh37 (hg19) VCF-style: chr17-12896296-C-T.
Other names: c.2200G>A, p.Asp734Asn (NM_001165962.2); c.2317G>A, p.Asp773Asn (NM_173717.2); c.2320G>A (NM_018127.6); short protein forms D734N, D774N, D773N.
Identifiers: ClinVar variation 2047438 (VCV002047438.4), dbSNP rs760538357, ClinGen allele CA8400834.
Genomic context (GRCh38, chr17:12,992,979, plus strand): 5'-GGGCCGCCCGCACCTGCCGCAGCTCCCGCTTCTCCCTGCGCTCCTCCATCTCCTCGATGT[C>T]GCCAGCAAACAGGGCTTTCAGTGGGGGAATCAGCTTGGGCATTGTTGGAAAGTCTCCAAA-3'
Protein context (NP_060597.4, residues 764-784): IPPLKALFAG[Asp774Asn]IEEMEERREK